The following is an entry in ClinVar:

NM_006904.7(PRKDC):c.8180G>A (p.Arg2727Gln)

Gene: PRKDC (protein kinase, DNA-activated, catalytic subunit; minus strand). Cytogenetic location: 8q11.21.
Variant type: single nucleotide variant.
Coding change: c.8180G>A on transcript NM_006904.7 (MANE Select); coding-DNA position 8180, G replaced by A.
Protein change: p.Arg2727Gln; replaces arginine 2727 with glutamine.
Molecular consequence: missense variant.
Genome position (GRCh38, 1-based): chr8:47,831,899, C>T on the plus strand (G>A on the coding strand, the complement: PRKDC is on the minus strand). VCF-style: chr8-47831899-C-T. GRCh37 (hg19) VCF-style: chr8-48744460-C-T.
Other names: c.8180G>A, p.Arg2727Gln (NM_001081640.2); short protein forms R2727Q.
Identifiers: ClinVar variation 1511396 (VCV001511396.4), dbSNP rs766871497, ClinGen allele CA4739900.

ClinVar aggregate classification (germline): Uncertain significance (1 of 4 stars; one submission).

Conditions:
Severe combined immunodeficiency due to DNA-PKcs deficiency. Also called: IMMUNODEFICIENCY 26 WITH NEUROLOGIC ABNORMALITIES; Immunodeficiency 26 with or without neurologic abnormalities. Identifiers: Orphanet 317425, MedGen C4014833, MONDO:0014423, OMIM 615966.

Allele frequency attached by ClinVar (database versions not stated): ExAC 0.00001; TOPMed 0.00002; gnomAD 0.00005 and 0.00006.
gnomAD v4.1: 15 of 1,613,502 alleles (0.00093%); highest among the groups gnomAD compares: African/African-American, 0.015%; no homozygotes.

Submission:

Labcorp Genetics (formerly Invitae), Labcorp
Classification: Uncertain significance for Severe combined immunodeficiency due to DNA-PKcs deficiency. Last evaluated: 2021-04-18. Review status: criteria provided, single submitter. Criteria: Invitae Variant Classification Sherloc (09022015). Collection method: clinical testing. Allele origin: germline.
Comment: This sequence change replaces arginine with glutamine at codon 2727 of the PRKDC protein (p.Arg2727Gln). The arginine residue is highly conserved and there is a small physicochemical difference between arginine and glutamine. In summary, the available evidence is currently insufficient to determine the role of this variant in disease. Therefore, it has been classified as a Variant of Uncertain Significance. Experimental studies and prediction algorithms are not available or were not evaluated, and the functional significance of this variant is currently unknown. This variant has not been reported in the literature in individuals with PRKDC-related conditions. This variant is present in population databases (rs766871497, ExAC 0.01%).